The following is an entry in ClinVar:

NM_017841.4(SDHAF2):c.176C>T (p.Thr59Ile)

Gene: SDHAF2 (succinate dehydrogenase complex assembly factor 2; plus strand). Cytogenetic location: 11q12.2.
Variant type: single nucleotide variant.
Coding change: c.176C>T on transcript NM_017841.4 (MANE Select); coding-DNA position 176, C replaced by T.
Protein change: p.Thr59Ile; replaces threonine 59 with isoleucine.
Molecular consequence: missense variant.
Genome position (GRCh38, 1-based): chr11:61,437,764, C>T. VCF-style: chr11-61437764-C-T. GRCh37 (hg19) VCF-style: chr11-61205236-C-T.
Other names: short protein forms T59I.
Identifiers: ClinVar variation 1434379 (VCV001434379.10), dbSNP rs2134892362, ClinGen allele CA380683483.

ClinVar aggregate classification (germline): Uncertain significance. Review status: criteria provided, multiple submitters, no conflicts (2 of 4 stars). 2 submissions from 2 submitters: Uncertain significance (2). Last evaluated 2023-11-29.

Conditions:
Hereditary pheochromocytoma and paraganglioma. Also called: Hereditary paragangliomas and pheochromocytomas; Hereditary Paraganglioma-Pheochromocytoma Syndromes; Hereditary pheochromocytoma-paraganglioma. Identifiers: Orphanet 29072, MedGen C4274332, MONDO:0017366.
Hereditary cancer-predisposing syndrome. Also called: Tumor predisposition; Hereditary Cancer Syndrome; Hereditary neoplastic syndrome; Neoplastic Syndromes, Hereditary. Identifiers: Orphanet 140162, MedGen C0027672, MeSH D009386, MONDO:0015356.

Allele frequency attached by ClinVar (database versions not stated): gnomAD exomes below 0.00001.
gnomAD v4.1: 1 of 1,614,156 alleles (0.000062%); highest among the groups gnomAD compares: Non-Finnish European, 0.000085%; no homozygotes.

Submissions (2):

Labcorp Genetics (formerly Invitae), Labcorp
Classification: Uncertain significance for Hereditary pheochromocytoma and paraganglioma. Last evaluated: 2023-11-29. Review status: criteria provided, single submitter. Criteria: Invitae Variant Classification Sherloc (09022015). Collection method: clinical testing. Allele origin: germline.
Comment: This sequence change replaces threonine, which is neutral and polar, with isoleucine, which is neutral and non-polar, at codon 59 of the SDHAF2 protein (p.Thr59Ile). This variant is not present in population databases (gnomAD no frequency). This variant has not been reported in the literature in individuals affected with SDHAF2-related conditions. ClinVar contains an entry for this variant (Variation ID: 1434379). An algorithm developed to predict the effect of missense changes on protein structure and function (PolyPhen-2) suggests that this variant is likely to be tolerated. In summary, the available evidence is currently insufficient to determine the role of this variant in disease. Therefore, it has been classified as a Variant of Uncertain Significance.

Ambry Genetics
Classification: Uncertain significance for Hereditary cancer-predisposing syndrome. Last evaluated: 2022-04-26. Review status: criteria provided, single submitter. Criteria: Ambry Variant Classification Scheme 2023. Collection method: clinical testing. Allele origin: germline.
Comment: The p.T59I variant (also known as c.176C>T), located in coding exon 2 of the SDHAF2 gene, results from a C to T substitution at nucleotide position 176. The threonine at codon 59 is replaced by isoleucine, an amino acid with similar properties. This amino acid position is conserved. In addition, this alteration is predicted to be tolerated by in silico analysis. Since supporting evidence is limited at this time, the clinical significance of this alteration remains unclear.